The following is an entry in ClinVar:

ClinVar aggregate classification (germline): Benign (0 of 4 stars; one submission).

Conditions:
CNTN3-related disorder. Also called: CNTN3-related condition.

Allele frequency attached by ClinVar (database versions not stated): gnomAD exomes 0.00642; ExAC 0.02003; gnomAD 0.06055; 1000 Genomes Project 0.06709; ESP Exome Variant Server 0.06852; TOPMed 0.06931; 1000 Genomes Project 30x 0.07167.
gnomAD v4.1: 19,059 of 1,606,174 alleles (1.2%); highest among the groups gnomAD compares: African/African-American, 21%; 1,768 homozygotes.

Submission:

PreventionGenetics, part of Exact Sciences
Classification: Benign for CNTN3-related condition. Last evaluated: 2019-11-06. Review status: no assertion criteria provided. Collection method: clinical testing. Allele origin: germline.
Comment: This variant is classified as benign based on ACMG/AMP sequence variant interpretation guidelines (Richards et al. 2015 PMID: 25741868, with internal and published modifications).

NM_020872.3(CNTN3):c.736A>G (p.Lys246Glu)

Gene: CNTN3 (contactin 3; minus strand). Cytogenetic location: 3p12.3.
Variant type: single nucleotide variant.
Coding change: c.736A>G on transcript NM_020872.3 (MANE Select); coding-DNA position 736, A replaced by G.
Protein change: p.Lys246Glu; replaces lysine 246 with glutamic acid.
Molecular consequence: missense variant.
Genome position (GRCh38, 1-based): chr3:74,369,914, T>C on the plus strand (A>G on the coding strand, the complement: CNTN3 is on the minus strand). VCF-style: chr3-74369914-T-C. GRCh37 (hg19) VCF-style: chr3-74419065-T-C.
Other names: c.736A>G, p.Lys246Glu (NM_001393376.1); short protein forms K246E.
Identifiers: ClinVar variation 3037654 (VCV003037654.2), dbSNP rs62620465, ClinGen allele CA2495424.